The following is an entry in ClinVar:

ClinVar aggregate classification (germline): Likely benign (1 of 4 stars; one submission).

Submission:

CeGaT Center for Human Genetics Tuebingen
Classification: Likely benign. Last evaluated: 2025-02-01. Review status: criteria provided, single submitter. Criteria: CeGaT Center For Human Genetics Tuebingen Variant Classification Criteria Version 2. Collection method: clinical testing. Allele origin: germline. Affected: yes. Observed: 3 variant alleles.
Comment: MAP1B: BP4, BP7

NM_005909.5(MAP1B):c.4644T>G (p.Gly1548=)

Gene: MAP1B (microtubule associated protein 1B; plus strand). Cytogenetic location: 5q13.2.
Variant type: single nucleotide variant.
Coding change: c.4644T>G on transcript NM_005909.5 (MANE Select); coding-DNA position 4644, T replaced by G.
Protein change: p.Gly1548=; no amino-acid change (glycine 1548 retained).
Molecular consequence: synonymous variant.
Genome position (GRCh38, 1-based): chr5:72,197,999, T>G. VCF-style: chr5-72197999-T-G. GRCh37 (hg19) VCF-style: chr5-71493826-T-G.
Other names: c.4266T>G, p.Gly1422= (NM_001324255.2).
Identifiers: ClinVar variation 2655518 (VCV002655518.24), dbSNP rs1747225967, ClinGen allele CA445087954.